The following is an entry in ClinVar:

NM_006514.4(SCN10A):c.992A>G (p.Asn331Ser)

Gene: SCN10A (sodium voltage-gated channel alpha subunit 10; minus strand). Cytogenetic location: 3p22.2.
Variant type: single nucleotide variant.
Coding change: c.992A>G on transcript NM_006514.4 (MANE Select); coding-DNA position 992, A replaced by G.
Protein change: p.Asn331Ser; replaces asparagine 331 with serine.
Molecular consequence: missense variant.
Genome position (GRCh38, 1-based): chr3:38,757,118, T>C on the plus strand (A>G on the coding strand, the complement: SCN10A is on the minus strand). VCF-style: chr3-38757118-T-C. GRCh37 (hg19) VCF-style: chr3-38798609-T-C.
Other names: c.992A>G, p.Asn331Ser (NM_001293306.2, NM_001293307.2); short protein forms N331S.
Identifiers: ClinVar variation 3793138 (VCV003793138.1).
Genomic context (GRCh38, chr3:38,757,118, plus strand): 5'-CGGAACAGTGAGAGGAAAGCCCAAGCAAAGGAATCAAAGCTGGTGTAGTTAAAATCCGGG[T>C]TGTCAGAAGTTTTAAGGCAGATATAACCATCAGGGCAGTGGCTGCAGCAAGAACAGAGAA-3'
Protein context (NP_006505.4, residues 321-341): DGYICLKTSD[Asn331Ser]PDFNYTSFDS

ClinVar aggregate classification (germline): Uncertain significance (1 of 4 stars; one submission).

Conditions:
Cardiovascular phenotype. Identifiers: MedGen CN230736.

gnomAD v4.1: 2 of 1,612,944 alleles (0.00012%); highest among the groups gnomAD compares: Non-Finnish European, 0.00017%; no homozygotes.

Submission:

Ambry Genetics
Classification: Uncertain significance for Cardiovascular phenotype. Last evaluated: 2025-01-04. Review status: criteria provided, single submitter. Criteria: Ambry Variant Classification Scheme 2023. Collection method: clinical testing. Allele origin: germline.
Comment: The p.N331S variant (also known as c.992A>G), located in coding exon 8 of the SCN10A gene, results from an A to G substitution at nucleotide position 992. The asparagine at codon 331 is replaced by serine, an amino acid with highly similar properties. This amino acid position is conserved. In addition, the in silico prediction for this alteration is inconclusive. Based on the available evidence, the clinical significance of this variant remains unclear.